The following is an entry in ClinVar:

ClinVar aggregate classification (germline): Likely benign (1 of 4 stars; one submission).

Allele frequency attached by ClinVar (database versions not stated): 1000 Genomes Project 30x 0.00047; 1000 Genomes Project 0.00060; ESP Exome Variant Server 0.00088; ExAC 0.00124; gnomAD 0.00124; gnomAD exomes 0.00141; TOPMed 0.00164.
gnomAD v4.1: 2,237 of 1,613,456 alleles (0.14%); highest among the groups gnomAD compares: Admixed American, 0.34%; 8 homozygotes.

Submission:

CeGaT Center for Human Genetics Tuebingen
Classification: Likely benign. Last evaluated: 2026-04-01. Review status: criteria provided, single submitter. Criteria: CeGaT Center For Human Genetics Tuebingen Variant Classification Criteria Version 2. Collection method: clinical testing. Allele origin: germline. Affected: yes. Observed: 3 variant alleles.
Comment: MUC5B: BP4, BS1

NM_002458.3(MUC5B):c.8939C>T (p.Thr2980Met)

Genes: MUC5B (mucin 5B, oligomeric mucus/gel-forming; plus strand), MUC5B-AS1 (MUC5B antisense RNA 1; minus strand). Cytogenetic location: 11p15.5.
Variant type: single nucleotide variant.
Coding change: c.8939C>T on transcript NM_002458.3 (MANE Select); coding-DNA position 8939, C replaced by T.
Protein change: p.Thr2980Met; replaces threonine 2980 with methionine.
Molecular consequence: missense variant.
Genome position (GRCh38, 1-based): chr11:1,245,819, C>T. VCF-style: chr11-1245819-C-T. GRCh37 (hg19) VCF-style: chr11-1267049-C-T.
Other names: short protein forms T2980M.
Identifiers: ClinVar variation 2641248 (VCV002641248.24), dbSNP rs199518432, ClinGen allele CA5806773.